The following is an entry in ClinVar:

ClinVar aggregate classification (germline): Likely benign (0 of 4 stars; one submission).

Conditions:
ANLN-related disorder. Also called: ANLN-related condition.

gnomAD v4.1: 2 of 1,482,820 alleles (0.00013%); no homozygotes.

Submission:

PreventionGenetics, part of Exact Sciences
Classification: Likely benign for ANLN-related condition. Last evaluated: 2023-08-06. Review status: no assertion criteria provided. Collection method: clinical testing. Allele origin: germline.
Comment: This variant is classified as likely benign based on ACMG/AMP sequence variant interpretation guidelines (Richards et al. 2015 PMID: 25741868, with internal and published modifications).

NM_018685.5(ANLN):c.873+9G>C

Gene: ANLN (anillin, actin binding protein; plus strand). Cytogenetic location: 7p14.2.
Variant type: single nucleotide variant.
Coding change: c.873+9G>C on transcript NM_018685.5 (MANE Select); 9 bases into the intron after coding-DNA position 873, G replaced by C.
Molecular consequence: intron variant.
Genome position (GRCh38, 1-based): chr7:36,406,575, G>C. VCF-style: chr7-36406575-G-C. GRCh37 (hg19) VCF-style: chr7-36446184-G-C.
Other names: c.873+9G>C (NM_001284301.3, NM_001284302.3).
Identifiers: ClinVar variation 3030756 (VCV003030756.2), dbSNP rs2534536482, ClinGen allele CA2682405302.